The following is an entry in ClinVar:

ClinVar aggregate classification (germline): Uncertain significance (1 of 4 stars; one submission).

Submission:

Labcorp Genetics (formerly Invitae), Labcorp
Classification: Uncertain significance. Last evaluated: 2024-04-22. Review status: criteria provided, single submitter. Criteria: Invitae Variant Classification Sherloc (09022015). Collection method: clinical testing. Allele origin: germline.
Comment: This sequence change replaces alanine, which is neutral and non-polar, with glutamic acid, which is acidic and polar, at codon 376 of the POLE protein (p.Ala376Glu). This variant is not present in population databases (gnomAD no frequency). This variant has not been reported in the literature in individuals affected with POLE-related conditions. ClinVar contains an entry for this variant (Variation ID: 649483). Advanced modeling of protein sequence and biophysical properties (such as structural, functional, and spatial information, amino acid conservation, physicochemical variation, residue mobility, and thermodynamic stability) performed at Invitae indicates that this missense variant is expected to disrupt POLE protein function with a positive predictive value of 80%. In summary, the available evidence is currently insufficient to determine the role of this variant in disease. Therefore, it has been classified as a Variant of Uncertain Significance.

NM_006231.4(POLE):c.1127C>A (p.Ala376Glu)

Gene: POLE (DNA polymerase epsilon, catalytic subunit; minus strand). Cytogenetic location: 12q24.33.
Variant type: single nucleotide variant.
Coding change: c.1127C>A on transcript NM_006231.4 (MANE Select); coding-DNA position 1127, C replaced by A.
Protein change: p.Ala376Glu; replaces alanine 376 with glutamic acid.
Molecular consequence: missense variant.
Genome position (GRCh38, 1-based): chr12:132,675,497, G>T on the plus strand (C>A on the coding strand, the complement: POLE is on the minus strand). VCF-style: chr12-132675497-G-T. GRCh37 (hg19) VCF-style: chr12-133252083-G-T.
Other names: short protein forms A376E.
Identifiers: ClinVar variation 649483 (VCV000649483.8), dbSNP rs1202544604, ClinGen allele CA387361142.